The following is an entry in ClinVar:

ClinVar aggregate classification (germline): Pathogenic (1 of 4 stars; one submission).

Conditions:
Propionic acidemia (PROP). Also called: GLYCINEMIA, KETOTIC; HYPERGLYCINEMIA WITH KETOACIDOSIS AND LEUKOPENIA; KETOTIC HYPERGLYCINEMIA. Identifiers: Orphanet 35, MedGen C0268579, MONDO:0011628, OMIM 606054, HP:0003571.

Submission:

Labcorp Genetics (formerly Invitae), Labcorp
Classification: Pathogenic for Propionic acidemia. Last evaluated: 2023-09-15. Review status: criteria provided, single submitter. Criteria: Invitae Variant Classification Sherloc (09022015). Collection method: clinical testing. Allele origin: germline.
Comment: This sequence change affects the initiator methionine of the PCCB mRNA. The next in-frame methionine is located at codon 84. Information on the frequency of this variant in the gnomAD database is not available, as this variant may be reported differently in the database. For these reasons, this variant has been classified as Pathogenic. This variant disrupts a region of the PCCB protein in which other variant(s) (p.His59Gln) have been determined to be pathogenic (Invitae). This suggests that this is a clinically significant region of the protein, and that variants that disrupt it are likely to be disease-causing. ClinVar contains an entry for this variant (Variation ID: 1968405). This variant has not been reported in the literature in individuals affected with PCCB-related conditions.

NM_000532.5(PCCB):c.2_3delinsAA (p.Met1Lys)

Gene: PCCB (propionyl-CoA carboxylase subunit beta; plus strand). Cytogenetic location: 3q22.3.
Variant type: Indel.
Coding change: c.2_3delinsAA on transcript NM_000532.5 (MANE Select); coding-DNA positions 2 to 3, TG replaced by AA.
Protein change: p.Met1Lys; changes the start codon (methionine 1).
Molecular consequence: missense variant, initiator codon variant.
Genome position (GRCh38, 1-based): chr3:136,250,377-136,250,378, TG replaced by AA. VCF-style: chr3-136250377-TG-AA. GRCh37 (hg19) VCF-style: chr3-135969219-TG-AA.
Other names: c.2_3delinsAA, p.Met1Lys (NM_001178014.2); short protein forms M1K.
Identifiers: ClinVar variation 1968405 (VCV001968405.6), dbSNP rs2529731071, ClinGen allele CA2580068804.